The following is an entry in ClinVar:

ClinVar aggregate classification (germline): Uncertain significance (1 of 4 stars; one submission).

Conditions:
Arthrogryposis multiplex congenita 6. Identifiers: MedGen C5543431, MONDO:0030281, OMIM 619334.
Nemaline myopathy 2 (NEM2). Also called: Nemaline myopathy 2, autosomal recessive. Identifiers: MedGen C1850569, MONDO:0009725, OMIM 256030.

gnomAD v4.1: 77 of 1,453,738 alleles (0.0053%); highest among the groups gnomAD compares: East Asian, 0.16%; no homozygotes.

Submission:

Juno Genomics, Hangzhou Juno Genomics, Inc
Classification: Uncertain significance for Arthrogryposis multiplex congenita 6; Nemaline myopathy 2. Review status: criteria provided, single submitter. Criteria: ACMG Guidelines, 2015. Collection method: clinical testing. Allele origin: germline.
Comment: Absent from controls (or at extremely low frequency if recessive) in Genome Aggregation Database.;Multiple lines of computational evidence suggest no impact on gene or gene product.

NM_001164508.2(NEB):c.17013+33G>A

Gene: NEB (nebulin; minus strand). Cytogenetic location: 2q23.3.
Variant type: single nucleotide variant.
Coding change: c.17013+33G>A on transcript NM_001164508.2 (MANE Select); 33 bases into the intron after coding-DNA position 17013, G replaced by A.
Molecular consequence: intron variant.
Genome position (GRCh38, 1-based): chr2:151,575,662, C>T on the plus strand (G>A on the coding strand, the complement: NEB is on the minus strand). VCF-style: chr2-151575662-C-T. GRCh37 (hg19) VCF-style: chr2-152432176-C-T.
Other names: c.11910+33G>A (NM_004543.5); c.17013+33G>A (NM_001164507.2, NM_001271208.2).
Identifiers: ClinVar variation 5006089 (VCV005006089.2).